The following is an entry in ClinVar:

NM_000234.3(LIG1):c.962C>T (p.Ala321Val)

Gene: LIG1 (DNA ligase 1; minus strand). Cytogenetic location: 19q13.33.
Variant type: single nucleotide variant.
Coding change: c.962C>T on transcript NM_000234.3 (MANE Select); coding-DNA position 962, C replaced by T.
Protein change: p.Ala321Val; replaces alanine 321 with valine.
Molecular consequence: missense variant. On other transcripts: non-coding transcript variant (6).
Genome position (GRCh38, 1-based): chr19:48,140,096, G>A on the plus strand (C>T on the coding strand, the complement: LIG1 is on the minus strand). VCF-style: chr19-48140096-G-A. GRCh37 (hg19) VCF-style: chr19-48643353-G-A.
Other names: c.869C>T, p.Ala290Val (NM_001289063.2); c.758C>T, p.Ala253Val (NM_001289064.2); c.959C>T, p.Ala320Val (NM_001320970.2); c.872C>T, p.Ala291Val (NM_001320971.2); short protein forms A290V, A253V, A291V, A320V, A321V.
Identifiers: ClinVar variation 4546423 (VCV004546423.1).
Genomic context (GRCh38, chr19:48,140,096, plus strand): 5'-GGTGGCCCAAGGTGGTTGAGGCTGAGGTAGAGGACAGGGAGGAGGTCTGGAGGCGACAGG[G>A]CCACCACGGAGCGCAGCAAGTTGCTCAGCGTCTCCACCATCCGGAGCCTGGAGGAGGGGA-3'
Protein context (NP_000225.1, residues 311-331): TLSNLLRSVV[Ala321Val]LSPPDLLPVL

ClinVar aggregate classification (germline): Uncertain significance (1 of 4 stars; one submission).

gnomAD v4.1: 33 of 1,613,736 alleles (0.002%); highest among the groups gnomAD compares: Non-Finnish European, 0.0027%; no homozygotes.

Submission:

Ambry Genetics
Classification: Uncertain significance. Last evaluated: 2025-10-14. Review status: criteria provided, single submitter. Criteria: Ambry Variant Classification Scheme 2023. Collection method: clinical testing. Allele origin: germline.
Comment: The c.962C>T (p.A321V) alteration is located in exon 12 (coding exon 11) of the LIG1 gene. This alteration results from a C to T substitution at nucleotide position 962, causing the alanine (A) at amino acid position 321 to be replaced by a valine (V). Based on data from gnomAD, the T allele has an overall frequency of 0.001% (3/250828) total alleles studied. The highest observed frequency was 0.003% (3/113356) of European (non-Finnish) alleles. Based on insufficient or conflicting evidence, the clinical significance of this alteration remains unclear.